The following is an entry in ClinVar:

ClinVar aggregate classification (germline): Benign/Likely benign. Review status: criteria provided, multiple submitters, no conflicts (2 of 4 stars). 7 submissions from 7 submitters: Benign (1); Likely benign (6). Last evaluated 2025-09-17.

Conditions:
Hereditary cancer-predisposing syndrome. Also called: Hereditary Cancer Syndrome; Hereditary neoplastic syndrome; Neoplastic Syndromes, Hereditary; Tumor predisposition. Identifiers: Orphanet 140162, MedGen C0027672, MeSH D009386, MONDO:0015356.
Classic or attenuated familial adenomatous polyposis. Identifiers: MedGen CN372698, MONDO:0021057.
Familial adenomatous polyposis 1 (FAP1). Also called: FAMILIAL ADENOMATOUS POLYPOSIS 1, ATTENUATED; POLYPOSIS, ADENOMATOUS INTESTINAL. Identifiers: MedGen C2713442, MONDO:0021056, OMIM 175100. Disease mechanism: loss of function.

Allele frequency attached by ClinVar (database versions not stated): gnomAD exomes below 0.00001; TOPMed below 0.00001.
gnomAD v4.1: 2 of 1,614,150 alleles (0.00012%); highest among the groups gnomAD compares: Non-Finnish European, 0.00017%; no homozygotes.

Submissions (7):

Labcorp Genetics (formerly Invitae), Labcorp
Classification: Likely benign for Familial adenomatous polyposis 1. Last evaluated: 2025-09-17. Review status: criteria provided, single submitter. Criteria: Invitae Variant Classification Sherloc (09022015). Collection method: clinical testing. Allele origin: germline.

All of Us Research Program, National Institutes of Health
Classification: Likely benign for Classic or attenuated familial adenomatous polyposis. Last evaluated: 2024-04-17. Review status: criteria provided, single submitter. Criteria: ACMG Guidelines, 2015. Collection method: clinical testing. Allele origin: germline. Inheritance: Autosomal dominant inheritance. Observed: 1 variant allele, 1 heterozygote.
Comment: This study involves interpretation of variants in research participants for the purpose of population health screening. Participant phenotype was not available at the time of variant classification. Additional details can be found in publication PMID: 35346344, PMCID: PMC8962531

Myriad Genetics, Inc.
Classification: Benign for Familial adenomatous polyposis 1. Last evaluated: 2024-03-08. Review status: criteria provided, single submitter. Criteria: Myriad Autosomal Dominant, Autosomal Recessive and X-Linked Classification Criteria (2023). Collection method: clinical testing. Allele origin: unknown.
Comment: This variant is considered benign. This variant is a silent/synonymous amino acid change and it is not expected to impact splicing.

Women's Health and Genetics/Laboratory Corporation of America, LabCorp
Classification: Likely benign. Last evaluated: 2020-05-07. Review status: criteria provided, single submitter. Criteria: LabCorp Variant Classification Summary - May 2015. Collection method: clinical testing. Allele origin: germline.

Color Diagnostics, LLC DBA Color Health
Classification: Likely benign for Hereditary cancer-predisposing syndrome. Last evaluated: 2018-12-04. Review status: criteria provided, single submitter. Criteria: ACMG Guidelines, 2015. Collection method: clinical testing. Allele origin: germline.

Ambry Genetics
Classification: Likely benign for Hereditary cancer-predisposing syndrome. Last evaluated: 2017-09-12. Review status: criteria provided, single submitter. Criteria: Ambry Variant Classification Scheme 2023. Collection method: clinical testing. Allele origin: germline.

GeneDx
Classification: Likely benign. Last evaluated: 2016-02-12. Review status: criteria provided, single submitter. Criteria: GeneDx Variant Classification (06012015). Collection method: clinical testing. Allele origin: germline. Affected: yes.
Comment: This variant is considered likely benign or benign based on one or more of the following criteria: it is a conservative change, it occurs at a poorly conserved position in the protein, it is predicted to be benign by multiple in silico algorithms, and/or has population frequency not consistent with disease.

NM_000038.6(APC):c.2130C>T (p.Leu710=)

Gene: APC (APC regulator of Wnt signaling pathway; plus strand). Cytogenetic location: 5q22.2.
Variant type: single nucleotide variant.
Coding change: c.2130C>T on transcript NM_000038.6 (MANE Select); coding-DNA position 2130, C replaced by T.
Protein change: p.Leu710=; no amino-acid change (leucine 710 retained).
Molecular consequence: synonymous variant.
Genome position (GRCh38, 1-based): chr5:112,837,724, C>T. VCF-style: chr5-112837724-C-T. GRCh37 (hg19) VCF-style: chr5-112173421-C-T.
Other names: c.2130C>T, p.Leu710= (NM_001127510.3, NM_001354895.2); c.2076C>T, p.Leu692= (NM_001127511.3); c.2184C>T, p.Leu728= (NM_001354896.2); c.2160C>T, p.Leu720= (NM_001354897.2); c.2055C>T, p.Leu685= (NM_001354898.2); c.2046C>T, p.Leu682= (NM_001354899.2); c.2007C>T, p.Leu669= (NM_001354900.2); c.1953C>T, p.Leu651= (NM_001354901.2); and 5 more.
Identifiers: ClinVar variation 383935 (VCV000383935.21), dbSNP rs1057521787, ClinGen allele CA16605152.
Genomic context (GRCh38, chr5:112,837,724, plus strand): 5'-AAATCCTAAAGACCAGGAAGCATTATGGGACATGGGGGCAGTTAGCATGCTCAAGAACCT[C>T]ATTCATTCAAAGCACAAAATGATTGCTATGGGAAGTGCTGCAGCTTTAAGGAATCTCATG-3'
Protein context (NP_000029.2, residues 700-720): DMGAVSMLKN[Leu710=]IHSKHKMIAM